The following is an entry in ClinVar:

NM_004629.2(FANCG):c.542T>C (p.Leu181Pro)

Gene: FANCG (FA complementation group G; minus strand). Cytogenetic location: 9p13.3.
Variant type: single nucleotide variant.
Coding change: c.542T>C on transcript NM_004629.2 (MANE Select); coding-DNA position 542, T replaced by C.
Protein change: p.Leu181Pro; replaces leucine 181 with proline.
Molecular consequence: missense variant.
Genome position (GRCh38, 1-based): chr9:35,077,368, A>G on the plus strand (T>C on the coding strand, the complement: FANCG is on the minus strand). VCF-style: chr9-35077368-A-G. GRCh37 (hg19) VCF-style: chr9-35077365-A-G.
Other names: short protein forms L181P.
Identifiers: ClinVar variation 3512848 (VCV003512848.1).

ClinVar aggregate classification (germline): Uncertain significance (1 of 4 stars; one submission).

Conditions:
Inborn genetic diseases. Identifiers: MedGen C0950123, MeSH D030342.

Submission:

Ambry Genetics
Classification: Uncertain significance for Inborn genetic diseases. Last evaluated: 2024-11-26. Review status: criteria provided, single submitter. Criteria: Ambry Variant Classification Scheme 2023. Collection method: clinical testing. Allele origin: germline.
Comment: The p.L181P variant (also known as c.542T>C), located in coding exon 5 of the FANCG gene, results from a T to C substitution at nucleotide position 542. The leucine at codon 181 is replaced by proline, an amino acid with similar properties. This amino acid position is conserved. In addition, this alteration is predicted to be deleterious by in silico analysis. Based on the available evidence, the clinical significance of this variant remains unclear.